The following is an entry in ClinVar:

NM_005188.4(CBL):c.616C>T (p.Arg206Ter)

Gene: CBL (Cbl proto-oncogene; plus strand). Cytogenetic location: 11q23.3.
Variant type: single nucleotide variant.
Coding change: c.616C>T on transcript NM_005188.4 (MANE Select); coding-DNA position 616, C replaced by T.
Protein change: p.Arg206Ter; replaces arginine 206 with a stop codon.
Molecular consequence: nonsense.
Genome position (GRCh38, 1-based): chr11:119,273,893, C>T. VCF-style: chr11-119273893-C-T. GRCh37 (hg19) VCF-style: chr11-119144603-C-T.
Other names: short protein forms R206*.
Identifiers: ClinVar variation 3628767 (VCV003628767.2).
Genomic context (GRCh38, chr11:119,273,893, plus strand): 5'-TTTCACTTTATGCCTCCTCTCCACCCCCTCCCCAGGACAATAGTCCCTTGGAAGAGCTTT[C>T]GACAGGCTCTACATGAAGTGCATCCCATCAGTTCTGGGCTGGAGGCCATGGCTCTGAAAT-3'

ClinVar aggregate classification (germline): Uncertain significance (1 of 4 stars; one submission).

Conditions:
RASopathy. Also called: Noonan spectrum disorder; rasopathies. Identifiers: Orphanet 536391, MedGen C5555857, MONDO:0021060.

gnomAD v4.1: 3 of 1,613,968 alleles (0.00019%); highest among the groups gnomAD compares: Admixed American, 0.0017%; no homozygotes.

Submission:

Labcorp Genetics (formerly Invitae), Labcorp
Classification: Uncertain significance for RASopathy. Last evaluated: 2024-01-26. Review status: criteria provided, single submitter. Criteria: Invitae Variant Classification Sherloc (09022015). Collection method: clinical testing. Allele origin: germline.
Comment: This sequence change creates a premature translational stop signal (p.Arg206*) in the CBL gene. It is expected to result in an absent or disrupted protein product. However, the current clinical and genetic evidence is not sufficient to establish whether loss-of-function variants in CBL cause disease. This variant is present in population databases (no rsID available, gnomAD 0.003%). This variant has not been reported in the literature in individuals affected with CBL-related conditions. In summary, the available evidence is currently insufficient to determine the role of this variant in disease. Therefore, it has been classified as a Variant of Uncertain Significance.